The following is an entry in ClinVar:

ClinVar aggregate classification (germline): Uncertain significance (1 of 4 stars; one submission).

Conditions:
Nemaline myopathy 2 (NEM2). Also called: Nemaline myopathy 2, autosomal recessive. Identifiers: MedGen C1850569, MONDO:0009725, OMIM 256030.

Submission:

Labcorp Genetics (formerly Invitae), Labcorp
Classification: Uncertain significance for Nemaline myopathy 2. Last evaluated: 2022-03-29. Review status: criteria provided, single submitter. Criteria: Invitae Variant Classification Sherloc (09022015). Collection method: clinical testing. Allele origin: germline.
Comment: This sequence change replaces arginine, which is basic and polar, with lysine, which is basic and polar, at codon 6588 of the NEB protein (p.Arg6588Lys). This variant is not present in population databases (gnomAD no frequency). This variant has not been reported in the literature in individuals affected with NEB-related conditions. Algorithms developed to predict the effect of missense changes on protein structure and function output the following: SIFT: "Tolerated"; PolyPhen-2: "Not Available"; Align-GVGD: "Class C0". The lysine amino acid residue is found in multiple mammalian species, which suggests that this missense change does not adversely affect protein function. In summary, the available evidence is currently insufficient to determine the role of this variant in disease. Therefore, it has been classified as a Variant of Uncertain Significance.

NM_001164508.2(NEB):c.19763G>A (p.Arg6588Lys)

Gene: NEB (nebulin; minus strand). Cytogenetic location: 2q23.3.
Variant type: single nucleotide variant.
Coding change: c.19763G>A on transcript NM_001164508.2 (MANE Select); coding-DNA position 19763, G replaced by A.
Protein change: p.Arg6588Lys; replaces arginine 6588 with lysine.
Molecular consequence: missense variant.
Genome position (GRCh38, 1-based): chr2:151,552,745, C>T on the plus strand (G>A on the coding strand, the complement: NEB is on the minus strand). VCF-style: chr2-151552745-C-T. GRCh37 (hg19) VCF-style: chr2-152409259-C-T.
Other names: c.19763G>A, p.Arg6588Lys (NM_001164507.2, NM_001271208.2); c.14660G>A, p.Arg4887Lys (NM_004543.5); short protein forms R6588K, R4887K.
Identifiers: ClinVar variation 2152135 (VCV002152135.1), dbSNP rs2552184237, ClinGen allele CA348788015.
Genomic context (GRCh38, chr2:151,552,745, plus strand): 5'-TTCCCACTTTTGACAGCCTGCACGTAGACTGGTGTATCTGTGACAAGCTTGTAGTCATTC[C>T]TTGTTTTCAACATGTGAGCTTTATACTTGATCTGCCGAGAGGAAGAAAACAAGCCCATGT-3'
Protein context (NP_001157980.2, residues 6578-6598): IKYKAHMLKT[Arg6588Lys]NDYKLVTDTP